The following is an entry in ClinVar:

NM_000051.4(ATM):c.6554T>A (p.Ile2185Asn)

Genes: ATM (ATM serine/threonine kinase; plus strand), C11orf65 (chromosome 11 open reading frame 65; minus strand). Cytogenetic location: 11q22.3.
Variant type: single nucleotide variant.
Coding change: c.6554T>A on transcript NM_000051.4 (MANE Select); coding-DNA position 6554, T replaced by A.
Protein change: p.Ile2185Asn; replaces isoleucine 2185 with asparagine.
Molecular consequence: missense variant. On other transcripts: intron variant (2).
Genome position (GRCh38, 1-based): chr11:108,321,402, T>A. VCF-style: chr11-108321402-T-A. GRCh37 (hg19) VCF-style: chr11-108192129-T-A.
Other names: c.6554T>A, p.Ile2185Asn (NM_001351834.2); c.641-12331A>T (NM_001330368.2); c.*39-12331A>T (NM_001351110.2); short protein forms I2185N.
Identifiers: ClinVar variation 921014 (VCV000921014.5), dbSNP rs779611511, ClinGen allele CA382554356.

ClinVar aggregate classification (germline): Uncertain significance. Review status: criteria provided, multiple submitters, no conflicts (2 of 4 stars). 2 submissions from 2 submitters: Uncertain significance (2). Last evaluated 2023-10-06.

Conditions:
Hereditary cancer-predisposing syndrome. Also called: Tumor predisposition; Neoplastic Syndromes, Hereditary; Hereditary neoplastic syndrome; Hereditary Cancer Syndrome. Identifiers: Orphanet 140162, MedGen C0027672, MeSH D009386, MONDO:0015356.

Submissions (2):

GeneDx
Classification: Uncertain significance. Last evaluated: 2023-10-06. Review status: criteria provided, single submitter. Criteria: GeneDx Variant Classification Process June 2021. Collection method: clinical testing. Allele origin: germline. Affected: yes.
Comment: Not observed at significant frequency in large population cohorts (gnomAD); In silico analysis supports that this missense variant has a deleterious effect on protein structure/function; Has not been previously published as pathogenic or benign to our knowledge; This variant is associated with the following publications: (PMID: 23532176)

Color Diagnostics, LLC DBA Color Health
Classification: Uncertain significance for Hereditary cancer-predisposing syndrome. Last evaluated: 2019-06-04. Review status: criteria provided, single submitter. Criteria: ACMG Guidelines, 2015. Collection method: clinical testing. Allele origin: germline.